The following is an entry in ClinVar:

NM_025114.4(CEP290):c.223A>G (p.Lys75Glu)

Gene: CEP290 (centrosomal protein 290; minus strand). Cytogenetic location: 12q21.32.
Variant type: single nucleotide variant.
Coding change: c.223A>G on transcript NM_025114.4 (MANE Select); coding-DNA position 223, A replaced by G.
Protein change: p.Lys75Glu; replaces lysine 75 with glutamic acid.
Molecular consequence: missense variant.
Genome position (GRCh38, 1-based): chr12:88,139,522, T>C on the plus strand (A>G on the coding strand, the complement: CEP290 is on the minus strand). VCF-style: chr12-88139522-T-C. GRCh37 (hg19) VCF-style: chr12-88533299-T-C.
Other names: NP_079390.3:p.(Lys75Glu); NM_025114.4(CEP290):c.223A>G; p.Lys75Glu; short protein forms K75E.
Identifiers: ClinVar variation 802880 (VCV000802880.16), dbSNP rs779010679, ClinGen allele CA6712876.
Genomic context (GRCh38, chr12:88,139,522, plus strand): 5'-AATACCATAATAAACTTTTTCCAAGGTGCTTACCAAATTTTGCTTGTTCTTCTCCAGCTT[T>C]TTCTACTTCTTCCAAAGCCAGCTCCACTTCTTGAGCTTTCATCTAAACATTAAAAAAAGG-3'
Protein context (NP_079390.3, residues 65-85): EVELALEEVE[Lys75Glu]AGEEQAKFEN

ClinVar aggregate classification (germline): Likely pathogenic. Review status: reviewed by expert panel (3 of 4 stars). 7 submissions from 7 submitters: Likely pathogenic (1). 6 of the submissions do not count toward it. Last evaluated 2026-07-20.

Conditions:
Joubert syndrome. Also called: JOUBERT-BOLTSHAUSER SYNDROME; Familial aplasia of the vermis. Identifiers: Orphanet 475, MedGen C5979921, MONDO:0018772.
Nephronophthisis. Also called: Juvenile Nephronophthisis. Identifiers: Orphanet 655, MedGen C0687120, MONDO:0019005, HP:0000090.
Meckel-Gruber syndrome. Also called: Dysencephalia splachnocystica; DYSENCEPHALIA SPLANCHNOCYSTICA; GRUBER SYNDROME. Identifiers: Orphanet 564, MedGen C0265215, MONDO:0018921.
Retinitis pigmentosa (RP). Identifiers: Orphanet 791, MedGen C0035334, MeSH D012174, MONDO:0019200, OMIM 268000. Inheritance: Autosomal dominant, autosomal recessive and X linked inheritance.
Leber congenital amaurosis 10 (LCA10). Identifiers: Orphanet 65, MedGen C1857821, MONDO:0012723, OMIM 611755.
Senior-Loken syndrome 6 (SLSN6). Identifiers: Orphanet 3156, MedGen C1857779, MONDO:0012433, OMIM 610189.
Joubert syndrome 5 (JBTS5). Identifiers: Orphanet 2318, MedGen C1857780, MONDO:0012432, OMIM 610188.
Meckel syndrome, type 4 (MKS4). Also called: MECKEL-GRUBER SYNDROME, TYPE 4. Identifiers: Orphanet 564, MedGen C1970161, MONDO:0012626, OMIM 611134.
Bardet-Biedl syndrome 14 (BBS14). Identifiers: Orphanet 110, MedGen C2673874, MONDO:0014442, OMIM 615991.
CEP290-related ciliopathy. Also called: CEP290 ciliopathy. Identifiers: MedGen CN305601, MONDO:0100451.
CEP290-related disorder. Also called: CEP290-related condition; CEP290-related disorders. Identifiers: MedGen CN239314.
Joubert syndrome 1 (JBTS1). Also called: Cerebellooculorenal syndrome 1; CEREBELLOPARENCHYMAL DISORDER IV. Identifiers: MedGen C4551568, MONDO:0008944, OMIM 213300.

Allele frequency attached by ClinVar (database versions not stated): gnomAD exomes below 0.00001 and 0.00002; ExAC 0.00001.
gnomAD v4.1: 24 of 1,598,538 alleles (0.0015%); highest among the groups gnomAD compares: Non-Finnish European, 0.002%; no homozygotes.

Submissions (7):

ClinGen Leber Congenital Amaurosis/early Onset Retinal Dystrophy Variant Curation Expert Panel, ClinGen
Classification: Likely pathogenic for CEP290-related ciliopathy. Last evaluated: 2026-07-20. Review status: reviewed by expert panel. Criteria: ClinGen LCAeoRD ACMG Specifications CEP290 V1.0.0. Collection method: curation. Allele origin: germline. Inheritance: Autosomal recessive inheritance.
Comment: NM_025114.4(CEP290):c.223A>G (p.Lys75Glu) is a missense variant that replaces lysine with glutamic acid at amino acid 75. This variant is present in gnomAD v4.1.1 at a total allele frequency of 0.00001501, with 24 alleles / 1,598,538 total alleles, which is lower than the ClinGen LCA/eoRD VCEP PM2_Supporting threshold of <0.0006 (PM2_Supporting). This variant has been reported in at least 1 proband with early-onset severe retinal dystrophy who was homozygous for the variant (0.5 points, PMID: 36909829). This variant has also been reported in at least 3 probands with early-onset severe retinal dystrophy who were compound heterozygous with either the NM_025114.4(CEP290):c.1984C>T (p.Gln662Ter) variant confirmed in trans (1 point, PMID: 34321860), the NM_025114.4(CEP290):c.1347dup (p.Asp450fs) variant confirmed in trans (1 point, VCEP member-provided data), or the NM_025114.4(CEP290):c.1753C>T (p.Gln585Ter) variant suspected in trans (0.5 points, VCEP member-provided data), which were previously classified pathogenic or likely pathogenic by the ClinGen LCA/eoRD VCEP (3 total points, PM3_Strong). This variant has been reported in two additional patients diagnosed with retinitis pigmentosa in adolescence or adulthood with no available details regarding onset with either the NM_025114.4(CEP290):c.254dup (p.Asn85fs) variant or the NM_025114.4(CEP290):c.1347dup (p.Asp450fs) variant suspected in trans. These have not been included in PM3 pending confirmation of necessary phenotype details. At least one proband harboring this variant exhibits a phenotype including diagnosis of retinitis pigmentosa with onset in infancy / childhood (0.5 pts), nyctalopia (0.5 pts) and moderate myopia, with genotyping by whole exome sequencing that did not identify an alternative basis for retinal disease (4 pts), which together are specific for CEP290-related ciliopathy (5 total points, PMID: 36909829, PP4). The computational predictor CADD gives a score of 23.8, which is below the ClinGen LCA/eoRD VCEP threshold of ≥25.3 and does not predict a damaging effect on CEP290 protein function. Additionally, the splicing impact predictor SpliceAI gives a score of 0.00, which is below the ClinGen LCA/eoRD VCEP recommended threshold of ≥0.2 and does not strongly predict an impact on splicing. In summary, this variant meets the criteria to be classified as Likely Pathogenic for CEP290-related ciliopathy based on the ACMG/AMP criteria applied, as specified by the ClinGen LCA/eoRD VCEP: PM2_Supporting, PM3_Strong, and PP4. (LCA/eoRD VCEP Specifications for CEP290 Version 1.0.0)

Labcorp Genetics (formerly Invitae), Labcorp
Classification: Pathogenic for Joubert syndrome; Meckel-Gruber syndrome; Nephronophthisis. Last evaluated: 2025-03-17. Review status: criteria provided, single submitter. Criteria: Invitae Variant Classification Sherloc (09022015). Collection method: clinical testing. Allele origin: germline. Not counted in ClinVar's aggregate classification.
Comment: This sequence change replaces lysine, which is basic and polar, with glutamic acid, which is acidic and polar, at codon 75 of the CEP290 protein (p.Lys75Glu). This variant is present in population databases (rs779010679, gnomAD 0.0009%). This missense change has been observed in individual(s) with retinitis pigmentosa (PMID: 33576794; internal data). In at least one individual the data is consistent with being in trans (on the opposite chromosome) from a pathogenic variant. ClinVar contains an entry for this variant (Variation ID: 802880). Invitae Evidence Modeling of protein sequence and biophysical properties (such as structural, functional, and spatial information, amino acid conservation, physicochemical variation, residue mobility, and thermodynamic stability) has been performed for this missense variant. However, the output from this modeling did not meet the statistical confidence thresholds required to predict the impact of this variant on CEP290 protein function. For these reasons, this variant has been classified as Pathogenic.

Fulgent Genetics
Classification: Likely pathogenic for Joubert syndrome 5; Senior-Loken syndrome 6; Meckel syndrome, type 4; Leber congenital amaurosis 10; Bardet-Biedl syndrome 14. Last evaluated: 2024-06-07. Review status: criteria provided, single submitter. Criteria: ACMG Guidelines, 2015. Collection method: clinical testing. Allele origin: germline. Not counted in ClinVar's aggregate classification.

Ophthalmic Genetics Group, Institute of Molecular and Clinical Ophthalmology Basel
Classification: Likely pathogenic for Retinitis pigmentosa. Last evaluated: 2023-07-24. Review status: criteria provided, single submitter. Criteria: ACMG Guidelines, 2015. Collection method: research. Allele origin: germline. Affected: yes. Observed: 1 variant allele. Not counted in ClinVar's aggregate classification.
Comment: Clinical significance based on ACMG v2.0

This variant was classified as Likely pathogenic based on ACMG criteria: PP5, PM2.

Women's Health and Genetics/Laboratory Corporation of America, LabCorp
Classification: Uncertain significance. Last evaluated: 2023-06-02. Review status: criteria provided, single submitter. Criteria: LabCorp Variant Classification Summary - May 2015. Collection method: clinical testing. Allele origin: germline. Not counted in ClinVar's aggregate classification.
Comment: Variant summary: CEP290 c.223A>G (p.Lys75Glu) results in a conservative amino acid change in the encoded protein sequence. Four of five in-silico tools predict a benign effect of the variant on protein function. The variant allele was found at a frequency of 4.2e-06 in 238436 control chromosomes. c.223A>G has been reported in the literature in at least two individuals affected with CEP290-Related Disorders (e.g., Colombo_2021, Tracewska_2021). In at least one affected individual, this variant was found in trans with a known pathogenic variant. These data indicate that the variant may be associated with disease. To our knowledge, no experimental evidence demonstrating an impact on protein function has been reported. The following publications have been ascertained in the context of this evaluation (PMID: 33576794, 34321860). Three clinical diagnostic laboratories have submitted clinical-significance assessments for this variant to ClinVar after 2014. Two laboratories classifed that variant as a variant of uncertain significance, and one laboratory classified it as pathogenic. Based on the evidence outlined above, the variant was classified as VUS-possibly pathogenic.

Blueprint Genetics
Classification: Pathogenic for CEP290-related disorders. Last evaluated: 2022-01-17. Review status: criteria provided, single submitter. Criteria: ACMG Guidelines, 2015. Collection method: clinical testing. Allele origin: germline. Affected: yes. Observed: 5 variant alleles. Not counted in ClinVar's aggregate classification.

Mendelics
Classification: Uncertain significance for Joubert syndrome 1. Last evaluated: 2019-05-28. Review status: criteria provided, single submitter. Criteria: Mendelics Assertion Criteria 2017. Collection method: clinical testing. Allele origin: unknown. Not counted in ClinVar's aggregate classification.

Literature cited by the submitters: PubMed 33576794 (cited by Labcorp Genetics (formerly Invitae), Labcorp and Women's Health and Genetics/Laboratory Corporation of America, LabCorp); PubMed 36909829 (cited by Ophthalmic Genetics Group, Institute of Molecular and Clinical Ophthalmology Basel); PubMed 34321860 (cited by Women's Health and Genetics/Laboratory Corporation of America, LabCorp).